The following is an entry in ClinVar:

ClinVar aggregate classification (germline): Uncertain significance (0 of 4 stars; one submission).

Conditions:
LIPC-related disorder. Also called: LIPC-related condition.

Submission:

PreventionGenetics, part of Exact Sciences
Classification: Uncertain significance for LIPC-related condition. Last evaluated: 2024-03-28. Review status: no assertion criteria provided. Collection method: clinical testing. Allele origin: germline.
Comment: The LIPC c.1014delG variant is predicted to result in a frameshift and premature protein termination (p.Arg338Serfs*5). To our knowledge, this variant has not been reported in the literature or in a large population database, indicating this variant is rare. Loss of function has not been conclusively established as a mechanism for LIPC-related disorders. At this time, the clinical significance of this variant is uncertain due to the absence of conclusive functional and genetic evidence.

NM_000236.3(LIPC):c.1014del (p.Arg338fs)

Gene: LIPC (lipase C, hepatic type; plus strand). Cytogenetic location: 15q21.3.
Variant type: Deletion.
Coding change: c.1014del on transcript NM_000236.3 (MANE Select); coding-DNA position 1014, one base deleted (G; older notation c.1014delG).
Protein change: p.Arg338fs; shifts the reading frame from arginine 338.
Molecular consequence: frameshift variant.
Genome position (GRCh38, 1-based): chr15:58,548,535, G deleted; the last of 2 consecutive G bases (chr15:58,548,534-58,548,535); deleting either gives the same sequence. VCF-style (leftmost placement, unchanged base first): chr15-58548533-AG-A. GRCh37 (hg19) VCF-style: chr15-58840732-AG-A.
Other names: short protein forms R338fs.
Identifiers: ClinVar variation 3350167 (VCV003350167.1), dbSNP rs1893623220.